The following is an entry in ClinVar:

ClinVar aggregate classification (germline): Likely pathogenic (1 of 4 stars; one submission).

Submission:

Labcorp Genetics (formerly Invitae), Labcorp
Classification: Likely pathogenic. Last evaluated: 2024-07-24. Review status: criteria provided, single submitter. Criteria: Invitae Variant Classification Sherloc (09022015). Collection method: clinical testing. Allele origin: germline.
Comment: This sequence change affects a donor splice site in intron 3 of the PPARG gene. It is expected to disrupt RNA splicing. Variants that disrupt the donor or acceptor splice site typically lead to a loss of protein function (PMID: 16199547), and loss-of-function variants in PPARG are known to be pathogenic (PMID: 16412238, 16965332, 23393388). This variant is not present in population databases (gnomAD no frequency). This variant has not been reported in the literature in individuals affected with PPARG-related conditions. Algorithms developed to predict the effect of sequence changes on RNA splicing suggest that this variant may disrupt the consensus splice site. In summary, the currently available evidence indicates that the variant is pathogenic, but additional data are needed to prove that conclusively. Therefore, this variant has been classified as Likely Pathogenic.

Literature cited by the submitters: PubMed 16199547; PubMed 16412238; PubMed 16965332; PubMed 23393388.

NM_138711.6(PPARG):c.390+1G>A

Gene: PPARG (peroxisome proliferator activated receptor gamma; plus strand). Cytogenetic location: 3p25.2.
Variant type: single nucleotide variant.
Coding change: c.390+1G>A on transcript NM_138711.6 (MANE Select); the canonical splice donor site of the intron after coding-DNA position 390, G replaced by A.
Molecular consequence: splice donor variant.
Genome position (GRCh38, 1-based): chr3:12,381,492, G>A. VCF-style: chr3-12381492-G-A. GRCh37 (hg19) VCF-style: chr3-12422991-G-A.
Other names: c.390+1G>A (NM_001354666.3, NM_138712.5, NM_005037.7 and 6 more transcripts); c.-38+1G>A (NM_001354669.2); c.396+1G>A (NM_001374266.1, NM_001354670.2); c.480+1G>A (NM_015869.5, NM_001374265.1, NM_001354668.2).
Identifiers: ClinVar variation 3660512 (VCV003660512.2).